The following is an entry in ClinVar:

NM_001008391.4(CCDC73):c.2768G>T (p.Ser923Ile)

Gene: CCDC73 (coiled-coil domain containing 73; minus strand). Cytogenetic location: 11p13.
Variant type: single nucleotide variant.
Coding change: c.2768G>T on transcript NM_001008391.4 (MANE Select); coding-DNA position 2768, G replaced by T.
Protein change: p.Ser923Ile; replaces serine 923 with isoleucine.
Molecular consequence: missense variant.
Genome position (GRCh38, 1-based): chr11:32,613,550, C>A on the plus strand (G>T on the coding strand, the complement: CCDC73 is on the minus strand). VCF-style: chr11-32613550-C-A. GRCh37 (hg19) VCF-style: chr11-32635096-C-A.
Other names: short protein forms S923I.
Identifiers: ClinVar variation 2641708 (VCV002641708.24), dbSNP rs188950262, ClinGen allele CA5935095.

ClinVar aggregate classification (germline): Likely benign (1 of 4 stars; one submission).

Allele frequency attached by ClinVar (database versions not stated): 1000 Genomes Project 30x 0.00156; 1000 Genomes Project 0.00160; ESP Exome Variant Server 0.00609.
gnomAD v4.1: 10,942 of 1,614,104 alleles (0.68%); highest among the groups gnomAD compares: Non-Finnish European, 0.83%; 55 homozygotes.

Submission:

CeGaT Center for Human Genetics Tuebingen
Classification: Likely benign. Last evaluated: 2023-01-01. Review status: criteria provided, single submitter. Criteria: CeGaT Center For Human Genetics Tuebingen Variant Classification Criteria Version 2. Collection method: clinical testing. Allele origin: germline. Affected: yes. Observed: 1 variant allele.
Comment: CCDC73: BP4, BS2